The following is an entry in ClinVar:

NM_000038.6(APC):c.2202_2204dup (p.Ala735_Lys736insAla)

Gene: APC (APC regulator of Wnt signaling pathway; plus strand). Cytogenetic location: 5q22.2.
Variant type: Duplication.
Coding change: c.2202_2204dup on transcript NM_000038.6 (MANE Select); coding-DNA positions 2202 to 2204, 3 bases duplicated (TGC; older notation c.2202_2204dupTGC).
Protein change: p.Ala735_Lys736insAla.
Molecular consequence: inframe insertion. On other transcripts: non-coding transcript variant (2).
Genome position (GRCh38, 1-based): chr5:112,837,796-112,837,798, TGC duplicated; duplicating any 3 consecutive bases within chr5:112,837,795-112,837,798 gives the same sequence; the c. name uses the placement nearest the transcript's 3' end. VCF-style (leftmost placement, unchanged base first): chr5-112837794-C-CCTG. GRCh37 (hg19) VCF-style: chr5-112173491-C-CCTG.
Other names: c.2256_2258dup, p.Ala753_Lys754insAla (NM_001407449.1, NM_001354896.2, NM_001407447.1 and 1 more transcripts); c.2202_2204dup, p.Ala735_Lys736insAla (NM_001407450.1, NM_001127510.3, NM_001354895.2); c.2181_2183dup, p.Ala728_Lys729insAla (NM_001407451.1); c.2172_2174dup, p.Ala725_Lys726insAla (NM_001407452.1); c.2025_2027dup, p.Ala676_Lys677insAla (NM_001407453.1, NM_001354901.2); c.1953_1955dup, p.Ala652_Lys653insAla (NM_001407454.1, NM_001407455.1, NM_001407456.1 and 1 more transcripts); c.1899_1901dup, p.Ala634_Lys635insAla (NM_001407458.1, NM_001407459.1, NM_001407460.1 and 1 more transcripts); c.1815_1817dup, p.Ala606_Lys607insAla (NM_001407467.1, NM_001407469.1); and 11 more.
Identifiers: ClinVar variation 2709333 (VCV002709333.3), dbSNP rs2533403919, ClinGen allele CA2697546203.
Genomic context (GRCh38, chr5:112,837,794, plus strand): 5'-AAGCACAAAATGATTGCTATGGGAAGTGCTGCAGCTTTAAGGAATCTCATGGCAAATAGG[C>CCTG]CTGCGAAGTACAAGGATGCCAATATTATGTCTCCTGGCTCAAGCTTGCCATCTCTTCATG-3'

ClinVar aggregate classification (germline): Uncertain significance (1 of 4 stars; one submission).

Conditions:
Familial adenomatous polyposis 1 (FAP1). Also called: FAMILIAL ADENOMATOUS POLYPOSIS 1, ATTENUATED; POLYPOSIS, ADENOMATOUS INTESTINAL. Identifiers: MedGen C2713442, MONDO:0021056, OMIM 175100. Disease mechanism: loss of function.

Submission:

Labcorp Genetics (formerly Invitae), Labcorp
Classification: Uncertain significance for Familial adenomatous polyposis 1. Last evaluated: 2024-01-14. Review status: criteria provided, single submitter. Criteria: Invitae Variant Classification Sherloc (09022015). Collection method: clinical testing. Allele origin: germline.
Comment: This variant, c.2202_2204dup, results in the insertion of 1 amino acid(s) of the APC protein (p.Ala735dup), but otherwise preserves the integrity of the reading frame. This variant is not present in population databases (gnomAD no frequency). This variant has not been reported in the literature in individuals affected with APC-related conditions. In summary, the available evidence is currently insufficient to determine the role of this variant in disease. Therefore, it has been classified as a Variant of Uncertain Significance.